The following is an entry in ClinVar:

NM_003482.4(KMT2D):c.14707G>A (p.Val4903Met)

Gene: KMT2D (lysine methyltransferase 2D; minus strand). Cytogenetic location: 12q13.12.
Variant type: single nucleotide variant.
Coding change: c.14707G>A on transcript NM_003482.4 (MANE Select); coding-DNA position 14707, G replaced by A.
Protein change: p.Val4903Met; replaces valine 4903 with methionine.
Molecular consequence: missense variant.
Genome position (GRCh38, 1-based): chr12:49,027,259, C>T on the plus strand (G>A on the coding strand, the complement: KMT2D is on the minus strand). VCF-style: chr12-49027259-C-T. GRCh37 (hg19) VCF-style: chr12-49421042-C-T.
Other names: short protein forms V4903M.
Identifiers: ClinVar variation 2893359 (VCV002893359.4), dbSNP rs757465818, ClinGen allele CA6545678.

ClinVar aggregate classification (germline): Likely benign. Review status: criteria provided, multiple submitters, no conflicts (2 of 4 stars). 2 submissions from 2 submitters: Likely benign (2). Last evaluated 2026-09-16.

Conditions:
KMT2D-related disorder. Also called: KMT2D-Related Disorders.
Kabuki syndrome. Also called: NIIKAWA-KUROKI SYNDROME; Kabuki make-up syndrome. Identifiers: Orphanet 2322, MedGen C0796004, MONDO:0016512.

Allele frequency attached by ClinVar (database versions not stated): ExAC 0.00001; gnomAD exomes 0.00001; gnomAD 0.00003; TOPMed 0.00003.
gnomAD v4.1: 21 of 1,554,748 alleles (0.0014%); highest among the groups gnomAD compares: Non-Finnish European, 0.0016%; no homozygotes.

Submissions (2):

PreventionGenetics, part of Exact Sciences
Classification: Likely benign for KMT2D-related condition. Last evaluated: 2026-09-16. Review status: criteria provided, single submitter. Criteria: ACMG Guidelines, 2015. Collection method: clinical testing. Allele origin: germline.
Comment: This variant is classified as likely benign based on ACMG/AMP sequence variant interpretation guidelines (Richards et al. 2015 PMID: 25741868, with internal and published modifications).

Labcorp Genetics (formerly Invitae), Labcorp
Classification: Likely benign for Kabuki syndrome. Last evaluated: 2025-12-22. Review status: criteria provided, single submitter. Criteria: Invitae Variant Classification Sherloc (09022015). Collection method: clinical testing. Allele origin: germline.